The following is an entry in ClinVar:

NM_024529.5(CDC73):c.910A>G (p.Thr304Ala)

Gene: CDC73 (cell division cycle 73; plus strand). Cytogenetic location: 1q31.2.
Variant type: single nucleotide variant.
Coding change: c.910A>G on transcript NM_024529.5 (MANE Select); coding-DNA position 910, A replaced by G.
Protein change: p.Thr304Ala; replaces threonine 304 with alanine.
Molecular consequence: missense variant.
Genome position (GRCh38, 1-based): chr1:193,152,382, A>G. VCF-style: chr1-193152382-A-G. GRCh37 (hg19) VCF-style: chr1-193121512-A-G.
Other names: short protein forms T304A.
Identifiers: ClinVar variation 1966981 (VCV001966981.5), dbSNP rs2527345453, ClinGen allele CA343965713.
Genomic context (GRCh38, chr1:193,152,382, plus strand): 5'-TAGGTCATAAGATACATGATCTATAAAATCTTAACAATAAGCCTCTTTTTTTTCGTAGAA[A>G]CGGAAGGCTTCAAAATTGACACTATGGGAACCTACCATGGTATGACACTGAAATCTGTAA-3'
Protein context (NP_078805.3, residues 294-314): DQERFKGKEE[Thr304Ala]EGFKIDTMGT

ClinVar aggregate classification (germline): Uncertain significance (1 of 4 stars; one submission).

Conditions:
Parathyroid carcinoma (PRTC). Also called: CDC73-Related Parathyroid Carcinoma; Parathyroid gland carcinoma. Identifiers: Orphanet 143, MedGen C0687150, MONDO:0012004, OMIM 608266, HP:0006780.

Submission:

Labcorp Genetics (formerly Invitae), Labcorp
Classification: Uncertain significance for Parathyroid carcinoma. Last evaluated: 2021-12-23. Review status: criteria provided, single submitter. Criteria: Invitae Variant Classification Sherloc (09022015). Collection method: clinical testing. Allele origin: germline.
Comment: This sequence change replaces threonine, which is neutral and polar, with alanine, which is neutral and non-polar, at codon 304 of the CDC73 protein (p.Thr304Ala). In summary, the available evidence is currently insufficient to determine the role of this variant in disease. Therefore, it has been classified as a Variant of Uncertain Significance. RNA analysis performed to evaluate the impact of this missense change on mRNA splicing indicates it does not significantly alter splicing (Invitae). Algorithms developed to predict the effect of missense changes on protein structure and function are either unavailable or do not agree on the potential impact of this missense change (SIFT: "Deleterious"; PolyPhen-2: "Possibly Damaging"; Align-GVGD: "Class C0"). This variant has not been reported in the literature in individuals affected with CDC73-related conditions. This variant is not present in population databases (gnomAD no frequency).